The following is an entry in ClinVar:

ClinVar aggregate classification (germline): Uncertain significance (1 of 4 stars; one submission).

Submission:

Labcorp Genetics (formerly Invitae), Labcorp
Classification: Uncertain significance. Last evaluated: 2023-02-05. Review status: criteria provided, single submitter. Criteria: Invitae Variant Classification Sherloc (09022015). Collection method: clinical testing. Allele origin: germline.
Comment: This variant has not been reported in the literature in individuals affected with KIDINS220-related conditions. This sequence change replaces isoleucine, which is neutral and non-polar, with asparagine, which is neutral and polar, at codon 1567 of the KIDINS220 protein (p.Ile1567Asn). This variant is not present in population databases (gnomAD no frequency). Algorithms developed to predict the effect of missense changes on protein structure and function are either unavailable or do not agree on the potential impact of this missense change (SIFT: "Deleterious"; PolyPhen-2: "Benign"; Align-GVGD: "Class C0"). In summary, the available evidence is currently insufficient to determine the role of this variant in disease. Therefore, it has been classified as a Variant of Uncertain Significance.

NM_020738.4(KIDINS220):c.4700T>A (p.Ile1567Asn)

Gene: KIDINS220 (kinase D interacting substrate 220; minus strand). Cytogenetic location: 2p25.1.
Variant type: single nucleotide variant.
Coding change: c.4700T>A on transcript NM_020738.4 (MANE Select); coding-DNA position 4700, T replaced by A.
Protein change: p.Ile1567Asn; replaces isoleucine 1567 with asparagine.
Molecular consequence: missense variant. On other transcripts: intron variant (6).
Genome position (GRCh38, 1-based): chr2:8,731,336, A>T on the plus strand (T>A on the coding strand, the complement: KIDINS220 is on the minus strand). VCF-style: chr2-8731336-A-T. GRCh37 (hg19) VCF-style: chr2-8871466-A-T.
Other names: c.4703T>A, p.Ile1568Asn (NM_001348729.2); c.4646T>A, p.Ile1549Asn (NM_001348731.2); c.4643T>A, p.Ile1548Asn (NM_001348732.2); c.4532T>A, p.Ile1511Asn (NM_001348734.2); c.4529T>A, p.Ile1510Asn (NM_001348735.2); c.4403T>A, p.Ile1468Asn (NM_001348736.2); c.3882+2108T>A (NM_001348741.2, NM_001348742.2, NM_001348743.2); c.3996+2108T>A (NM_001348738.2); and 1 more; short protein forms I1548N, I1567N, I1511N, I1568N, I1468N, I1549N, I1510N.
Identifiers: ClinVar variation 2805515 (VCV002805515.3), dbSNP rs370858731, ClinGen allele CA345763137.